The following is an entry in ClinVar:

NM_022786.3(ARV1):c.2T>C (p.Met1Thr)

Genes: ARV1 (ARV1 homolog, fatty acid homeostasis modulator; plus strand), LOC129932761 (ATAC-STARR-seq lymphoblastoid active region 2721; plus strand). Cytogenetic location: 1q42.2.
Variant type: single nucleotide variant.
Coding change: c.2T>C on transcript NM_022786.3 (MANE Select); coding-DNA position 2, T replaced by C.
Protein change: p.Met1Thr; changes the start codon (methionine 1).
Molecular consequence: missense variant, initiator codon variant. On other transcripts: non-coding transcript variant (1).
Genome position (GRCh38, 1-based): chr1:230,979,107, T>C. VCF-style: chr1-230979107-T-C. GRCh37 (hg19) VCF-style: chr1-231114853-T-C.
Other names: c.2T>C, p.Met1Thr (NM_001346992.2); short protein forms M1T.
Identifiers: ClinVar variation 1339604 (VCV001339604.3), dbSNP rs774445829, ClinGen allele CA1450342.

ClinVar aggregate classification (germline): Likely pathogenic (1 of 4 stars; one submission).

Allele frequency attached by ClinVar (database versions not stated): gnomAD exomes below 0.00001; ExAC 0.00001; gnomAD 0.00001; TOPMed 0.00002.

Submission:

GeneDx
Classification: Likely pathogenic. Last evaluated: 2022-01-30. Review status: criteria provided, single submitter. Criteria: GeneDx Variant Classification Process June 2021. Collection method: clinical testing. Allele origin: germline. Affected: yes.
Comment: Initiation codon variant in a gene for which loss-of-function is a known mechanism of disease; Not observed at a significant frequency in large population cohorts (gnomAD); Has not been previously published as pathogenic or benign to our knowledge